The following is an entry in ClinVar:

NM_014727.3(KMT2B):c.6506_6514del (p.Ala2169_Gly2171del)

Gene: KMT2B (lysine methyltransferase 2B; plus strand). Cytogenetic location: 19q13.12.
Variant type: Deletion.
Coding change: c.6506_6514del on transcript NM_014727.3 (MANE Select); coding-DNA positions 6506 to 6514, 9 bases deleted (CCCCAGGGG; older notation c.6506_6514delCCCCAGGGG).
Protein change: p.Ala2169_Gly2171del.
Molecular consequence: inframe deletion.
Genome position (GRCh38, 1-based): chr19:35,733,055-35,733,063, CCCCAGGGG deleted; deleting any 9 consecutive bases within chr19:35,733,047-35,733,063 gives the same sequence; the c. name uses the placement nearest the transcript's 3' end. VCF-style (leftmost placement, unchanged base first): chr19-35733046-TCCCAGGGGC-T. GRCh37 (hg19) VCF-style: chr19-36223947-TCCCAGGGGC-T.
Identifiers: ClinVar variation 2894266 (VCV002894266.3), dbSNP rs778978500, ClinGen allele CA9385703.

ClinVar aggregate classification (germline): Uncertain significance (1 of 4 stars; one submission).

Submission:

Labcorp Genetics (formerly Invitae), Labcorp
Classification: Uncertain significance. Last evaluated: 2025-01-06. Review status: criteria provided, single submitter. Criteria: Invitae Variant Classification Sherloc (09022015). Collection method: clinical testing. Allele origin: germline.
Comment: This variant, c.6506_6514del, results in the deletion of 3 amino acid(s) of the KMT2B protein (p.Ala2169_Gly2171del), but otherwise preserves the integrity of the reading frame. This variant is present in population databases (rs778978500, gnomAD 0.005%). This variant has not been reported in the literature in individuals affected with KMT2B-related conditions. ClinVar contains an entry for this variant (Variation ID: 2894266). Experimental studies and prediction algorithms are not available or were not evaluated, and the functional significance of this variant is currently unknown. In summary, the available evidence is currently insufficient to determine the role of this variant in disease. Therefore, it has been classified as a Variant of Uncertain Significance.